The following is an entry in ClinVar:

ClinVar aggregate classification (germline): Likely benign. Review status: criteria provided, multiple submitters, no conflicts (2 of 4 stars). 2 submissions from 2 submitters: Likely benign (2). Last evaluated 2024-02-01.

Allele frequency attached by ClinVar (database versions not stated): ESP Exome Variant Server 0.00015.
gnomAD v4.1: 137 of 1,613,848 alleles (0.0085%); highest among the groups gnomAD compares: Non-Finnish European, 0.01%; no homozygotes.

Submissions (2):

CeGaT Center for Human Genetics Tuebingen
Classification: Likely benign. Last evaluated: 2024-02-01. Review status: criteria provided, single submitter. Criteria: CeGaT Center For Human Genetics Tuebingen Variant Classification Criteria Version 2. Collection method: clinical testing. Allele origin: germline. Affected: yes. Observed: 1 variant allele.
Comment: AFG3L2: BP4, BP7

Labcorp Genetics (formerly Invitae), Labcorp
Classification: Likely benign. Last evaluated: 2022-09-03. Review status: criteria provided, single submitter. Criteria: Invitae Variant Classification Sherloc (09022015). Collection method: clinical testing. Allele origin: germline.

NM_006796.3(AFG3L2):c.780G>A (p.Thr260=)

Gene: AFG3L2 (AFG3 like matrix AAA peptidase subunit 2; minus strand). Cytogenetic location: 18p11.21.
Variant type: single nucleotide variant.
Coding change: c.780G>A on transcript NM_006796.3 (MANE Select); coding-DNA position 780, G replaced by A.
Protein change: p.Thr260=; no amino-acid change (threonine 260 retained).
Molecular consequence: synonymous variant.
Genome position (GRCh38, 1-based): chr18:12,358,916, C>T on the plus strand (G>A on the coding strand, the complement: AFG3L2 is on the minus strand). VCF-style: chr18-12358916-C-T. GRCh37 (hg19) VCF-style: chr18-12358915-C-T.
Identifiers: ClinVar variation 2413663 (VCV002413663.29), dbSNP rs369975925, ClinGen allele CA8896654.